The following is an entry in ClinVar:

NM_001165963.4(SCN1A):c.5555T>C (p.Met1852Thr)

Genes: SCN1A (sodium voltage-gated channel alpha subunit 1; minus strand), LOC102724058 (uncharacterized LOC102724058; plus strand). Cytogenetic location: 2q24.3.
Variant type: single nucleotide variant.
Coding change: c.5555T>C on transcript NM_001165963.4 (MANE Select); coding-DNA position 5555, T replaced by C.
Protein change: p.Met1852Thr; replaces methionine 1852 with threonine.
Molecular consequence: missense variant. On other transcripts: non-coding transcript variant (1).
Genome position (GRCh38, 1-based): chr2:165,991,720, A>G on the plus strand (T>C on the coding strand, the complement: SCN1A is on the minus strand). VCF-style: chr2-165991720-A-G. GRCh37 (hg19) VCF-style: chr2-166848230-A-G.
Other names: c.5471T>C, p.Met1824Thr (NM_001165964.3, NM_001353957.2, NM_001353958.2); c.5555T>C, p.Met1852Thr (NM_001202435.3, NM_001353948.2); c.5522T>C, p.Met1841Thr (NM_001353949.2, NM_001353950.2, NM_001353951.2 and 2 more transcripts); c.5519T>C, p.Met1840Thr (NM_001353954.2, NM_001353955.2); c.5468T>C, p.Met1823Thr (NM_001353960.2); c.3113T>C, p.Met1038Thr (NM_001353961.2); short protein forms M1841T, M1852T, M1038T, M1823T, M1824T, M1840T.
Identifiers: ClinVar variation 68664 (VCV000068664.19), dbSNP rs121918783, ClinGen allele CA266129.

ClinVar aggregate classification (germline): Pathogenic. Review status: criteria provided, multiple submitters, no conflicts (2 of 4 stars). 7 submissions from 7 submitters: Pathogenic (6). 1 of the submissions does not count toward it. Last evaluated 2025-07-01.

Conditions:
Early-infantile DEE. Also called: Ohtahara syndrome; Early infantile epileptic encephalopathy with suppression bursts; Early infantile epileptic encephalopathy. Identifiers: Orphanet 1934, MedGen C0393706, MONDO:0800491.
SCN1A-related disorder. Also called: SCN1A-related disorders; SCN1A-related conditions; SCN1A-related condition.
Generalized epilepsy with febrile seizures plus, type 1 (GEFSP1). Also called: GEFS+, TYPE 1. Identifiers: Orphanet 36387, MedGen C1858672, MONDO:0011416, OMIM 604233.
Severe myoclonic epilepsy in infancy (DRVT). Also called: DEVELOPMENTAL AND EPILEPTIC ENCEPHALOPATHY 6A; Severe Myoclonic Epilepsy in Infancy (SMEI); Epileptic encephalopathy, early infantile, 6 (Dravet syndrome); SEVERE MYOCLONIC EPILEPSY OF INFANCY; Dravet syndrome. Identifiers: Orphanet 33069, MedGen C0751122, MONDO:0100135, OMIM 607208.

Submissions (8):

CeGaT Center for Human Genetics Tuebingen
Classification: Pathogenic. Last evaluated: 2025-07-01. Review status: criteria provided, single submitter. Criteria: CeGaT Center For Human Genetics Tuebingen Variant Classification Criteria Version 2. Collection method: clinical testing. Allele origin: germline. Affected: yes. Observed: 1 variant allele.
Comment: SCN1A: PM1, PM2, PM5, PS4:Moderate, PP3, PS3:Supporting

GeneDx
Classification: Pathogenic. Last evaluated: 2025-02-10. Review status: criteria provided, single submitter. Criteria: GeneDx Variant Classification Process June 2021. Collection method: clinical testing. Allele origin: germline. Affected: yes.
Comment: Published functional studies demonstrate a loss of function effect resulting in defective cellular trafficking (PMID: 17928445); Reported in a family with generalized epilepsy with febrile seizures plus (PMID: 12919402); Not observed at significant frequency in large population cohorts (gnomAD); In silico analysis supports that this missense variant has a deleterious effect on protein structure/function; This substitution is predicted to be within the C-terminal cytoplasmic domain; This variant is associated with the following publications: (PMID: 26096185, 31780880, 15277629, 16550559, 30735520, 23216576, 31782251, 18804930, 25754450, 20550552, 21463283, 31019026, 12919402, 17928445)

Labcorp Genetics (formerly Invitae), Labcorp
Classification: Pathogenic for Early-infantile DEE. Last evaluated: 2025-01-06. Review status: criteria provided, single submitter. Criteria: Invitae Variant Classification Sherloc (09022015). Collection method: clinical testing. Allele origin: germline.
Comment: This sequence change replaces methionine, which is neutral and non-polar, with threonine, which is neutral and polar, at codon 1852 of the SCN1A protein (p.Met1852Thr). This variant is not present in population databases (gnomAD no frequency). This missense change has been observed in individual(s) with clinical features of autosomal dominant SCN1A-related conditions (PMID: 12919402, 26096185, 31019026). In at least one individual the variant was observed to be de novo. This variant is also known as p.Met1841Thr. ClinVar contains an entry for this variant (Variation ID: 68664). Invitae Evidence Modeling of protein sequence and biophysical properties (such as structural, functional, and spatial information, amino acid conservation, physicochemical variation, residue mobility, and thermodynamic stability) indicates that this missense variant is expected to disrupt SCN1A protein function with a positive predictive value of 95%. For these reasons, this variant has been classified as Pathogenic.

Blueprint Genetics
Classification: Pathogenic for SCN1A-related disorders. Last evaluated: 2024-11-08. Review status: criteria provided, single submitter. Criteria: ACMG Guidelines, 2015. Collection method: clinical testing. Allele origin: germline. Affected: yes. Observed: 1 variant allele.

Rady Children's Institute for Genomic Medicine, Rady Children's Hospital San Diego
Classification: Pathogenic for EPILEPTIC ENCEPHALOPATHY, EARLY INFANTILE, 6. Last evaluated: 2017-12-14. Review status: criteria provided, single submitter. Criteria: ACMG Guidelines, 2015. Collection method: clinical testing. Allele origin: germline. Affected: yes. Observed: 1 variant allele.
Comment: This variant has been previously reported as disease causing in a patient with severe myoclonic epilepsy in infancy and in the patient's sibling with generalized epilepsy with febrile seizures (PMID: 12919402) and in an individual with Dravet syndrome (PMID: 26096185). The c.5555T>C (p.Met1852Thr) variant is absent from population databases, thus is presumed to be rare. Functional studies show that this change is a loss of function variant, specifically affecting cellular trafficking (PMID: 17928445). In silico algorithms predict this change to be deleterious. Based on the overall evidence the c.5555T>C (p.Met1852Thr) variant is classified as pathogenic.

Center for Bioinformatics, Peking University
Classification: Pathogenic for Dravet syndrome. Last evaluated: 2014-12-20. Review status: criteria provided, single submitter. Criteria: Xu et al. (Hum Mutat. 2015). Collection method: research. Allele origin: paternal. Affected: yes. Observed: 2 variant alleles. Study: University Clinical Cooperation “985 Project” PKU-2014-1-1.
Comment: Dravet syndrome (DS) probands were recruited from the outpatient and inpatient child neurology units of Peking University First Hospital from 2005 till present. The study was approved by the Ethics Committee of Peking University First Hospital and the Institutional Review Board at Peking University. Participants or their parents provided written informed consent before enrollment. We collected a total of 267 mutations from 255 families with probands diagnosed with DS in China. All probands fulfilled the clinical diagnostic criteria.

Channelopathy-Associated Epilepsy Research Center
No classification provided (evidence only). Condition: Severe myoclonic epilepsy in infancy. Review status: no classification provided. Collection method: literature only. Allele origin: not applicable. Functional consequence: Normal voltage dependence of activation, Normal voltage dependence of fast inactivation, Normal rate of recovery from fast inactivation, Mild decrease in peak current, Normal persistent current, Overall loss-of-function. Not counted in ClinVar's aggregate classification.
ClinVar note: "not provided" was previously submitted as the classification for the variant. However, the classification appeared to be based only on an observation of functional data so it was converted to no classification on 2025-07-30.

UniProtKB/Swiss-Prot
No classification provided. Condition: Generalized epilepsy with febrile seizures plus, type 1. Review status: no classification provided. Collection method: not provided. Allele origin: not provided. Not counted in ClinVar's aggregate classification.

Literature cited by the submitters: PubMed 12919402 (cited by Labcorp Genetics (formerly Invitae), Labcorp); PubMed 26096185 (cited by Labcorp Genetics (formerly Invitae), Labcorp); PubMed 31019026 (cited by Labcorp Genetics (formerly Invitae), Labcorp); PubMed 17928445 (cited by Channelopathy-Associated Epilepsy Research Center).